The following is an entry in ClinVar:

NM_001267550.2(TTN):c.65156_65157dup (p.Pro21720fs)

Genes: TTN (titin; minus strand), TTN-AS1 (TTN antisense RNA 1; plus strand). Cytogenetic location: 2q31.2.
Variant type: Microsatellite.
Coding change: c.65156_65157dup on transcript NM_001267550.2 (MANE Select); coding-DNA positions 65156 to 65157, 2 bases duplicated (AT; older notation c.65156_65157dupAT).
Protein change: p.Pro21720fs; shifts the reading frame from proline 21720.
Molecular consequence: frameshift variant.
Genome position (GRCh38, 1-based): chr2:178,584,394-178,584,395, AT duplicated on the plus strand (AT on the coding strand, the reverse complement: TTN is on the minus strand); duplicating any 2 consecutive bases within chr2:178,584,394-178,584,397 gives the same sequence; the c. name uses the placement nearest the transcript's 3' end. VCF-style (leftmost placement, unchanged base first): chr2-178584393-G-GAT. GRCh37 (hg19) VCF-style: chr2-179449120-G-GAT.
Other names: c.60233_60234dup, p.Pro20079fs (NM_001256850.1); c.37961_37962dup, p.Pro12655fs (NM_003319.4); c.57452_57453dup, p.Pro19152fs (NM_133378.4); c.38336_38337dup, p.Pro12780fs (NM_133432.3); c.38537_38538dup, p.Pro12847fs (NM_133437.4); c.37961_37962dupAT (NM_003319.4); short protein forms P12655fs, P12780fs, P12847fs, P19152fs, P20079fs, P21720fs.
Identifiers: ClinVar variation 3223253 (VCV003223253.1), dbSNP rs2469137282, ClinGen allele CA2825001029.

ClinVar aggregate classification (germline): Likely pathogenic (1 of 4 stars; one submission).

Conditions:
Cardiovascular phenotype. Identifiers: MedGen CN230736.

Submission:

Ambry Genetics
Classification: Likely pathogenic for Cardiovascular phenotype. Last evaluated: 2023-12-19. Review status: criteria provided, single submitter. Criteria: Ambry Variant Classification Scheme 2023. Collection method: clinical testing. Allele origin: germline.
Comment: The c.37961_37962dupAT variant, located in coding exon 138 of the TTN gene, results from a duplication of AT at nucleotide position 37961, causing a translational frameshift with a predicted alternate stop codon (p.P12655Ifs*7). This exon is located in the A-band region of the N2-B isoform of the titin protein and is constitutively expressed in TTN transcripts (percent spliced in or PSI 100%). This variant is considered to be rare based on population cohorts in the Genome Aggregation Database (gnomAD). This alteration is expected to result in loss of function by premature protein truncation or nonsense-mediated mRNA decay. While truncating variants in TTN are present in 1-3% of the general population, truncating variants in the A-band are the most common cause of dilated cardiomyopathy (DCM) (Herman DS et al. N. Engl. J. Med., 2012 Feb;366:619-28; Roberts AM et al. Sci Transl Med, 2015 Jan;7:270ra6). TTN truncating variants encoded in constitutive exons (PSI >90%) have been found to be significantly associated with DCM regardless of their position in titin (Schafer S et al. Nat. Genet., 2017 01;49:46-53). Based on the majority of available evidence to date, this variant is likely to be pathogenic.